The following is an entry in ClinVar:

ClinVar aggregate classification (germline): Uncertain significance (1 of 4 stars; one submission).

Conditions:
Osteogenesis imperfecta type I (OI1). Also called: Osteogenesis imperfecta type 1; Classic Non-deforming Osteogenesis Imperfecta with Blue Sclerae; OI, TYPE I; OSTEOGENESIS IMPERFECTA TARDA; OSTEOGENESIS IMPERFECTA WITH BLUE SCLERAE; Lobstein's Disease. Identifiers: Orphanet 216796, Orphanet 666, MedGen C0023931, MONDO:0008146, OMIM 166200. Disease mechanism: loss of function.

Allele frequency attached by ClinVar (database versions not stated): gnomAD exomes below 0.00001.
gnomAD v4.1: 1 of 1,614,100 alleles (0.000062%); highest among the groups gnomAD compares: Non-Finnish European, 0.000085%; no homozygotes.

Submission:

Labcorp Genetics (formerly Invitae), Labcorp
Classification: Uncertain significance for Osteogenesis imperfecta type I. Last evaluated: 2022-01-04. Review status: criteria provided, single submitter. Criteria: Invitae Variant Classification Sherloc (09022015). Collection method: clinical testing. Allele origin: germline.
Comment: Advanced modeling of protein sequence and biophysical properties (such as structural, functional, and spatial information, amino acid conservation, physicochemical variation, residue mobility, and thermodynamic stability) performed at Invitae indicates that this missense variant is not expected to disrupt COL1A1 protein function. This variant has not been reported in the literature in individuals affected with COL1A1-related conditions. In summary, the available evidence is currently insufficient to determine the role of this variant in disease. Therefore, it has been classified as a Variant of Uncertain Significance. This variant is not present in population databases (gnomAD no frequency). This sequence change replaces proline, which is neutral and non-polar, with serine, which is neutral and polar, at codon 256 of the COL1A1 protein (p.Pro256Ser).

NM_000088.4(COL1A1):c.766C>T (p.Pro256Ser)

Genes: COL1A1 (collagen type I alpha 1 chain; minus strand), LOC126862586 (CDK7 strongly-dependent group 2 enhancer GRCh37_chr17:48273702-48274901; plus strand). Cytogenetic location: 17q21.33.
Variant type: single nucleotide variant.
Coding change: c.766C>T on transcript NM_000088.4 (MANE Select); coding-DNA position 766, C replaced by T.
Protein change: p.Pro256Ser; replaces proline 256 with serine.
Molecular consequence: missense variant.
Genome position (GRCh38, 1-based): chr17:50,197,048, G>A on the plus strand (C>T on the coding strand, the complement: COL1A1 is on the minus strand). VCF-style: chr17-50197048-G-A. GRCh37 (hg19) VCF-style: chr17-48274409-G-A.
Other names: short protein forms P256S.
Identifiers: ClinVar variation 2074488 (VCV002074488.4), dbSNP rs1245834661, ClinGen allele CA400223907.